The following is an entry in ClinVar:

ClinVar aggregate classification (germline): Uncertain significance (1 of 4 stars; one submission).

Submission:

Ambry Genetics
Classification: Uncertain significance. Last evaluated: 2023-11-30. Review status: criteria provided, single submitter. Criteria: Ambry Variant Classification Scheme 2023. Collection method: clinical testing. Allele origin: germline.
Comment: The p.T25S variant (also known as c.73A>T), located in coding exon 2 of the MYLK2 gene, results from an A to T substitution at nucleotide position 73. The threonine at codon 25 is replaced by serine, an amino acid with similar properties. This amino acid position is conserved. In addition, this alteration is predicted to be tolerated by in silico analysis. Since supporting evidence is limited at this time, the clinical significance of this alteration remains unclear.

NM_033118.4(MYLK2):c.73A>T (p.Thr25Ser)

Gene: MYLK2 (myosin light chain kinase 2; plus strand). Cytogenetic location: 20q11.21.
Variant type: single nucleotide variant.
Coding change: c.73A>T on transcript NM_033118.4 (MANE Select); coding-DNA position 73, A replaced by T.
Protein change: p.Thr25Ser; replaces threonine 25 with serine.
Molecular consequence: missense variant.
Genome position (GRCh38, 1-based): chr20:31,820,146, A>T. VCF-style: chr20-31820146-A-T. GRCh37 (hg19) VCF-style: chr20-30407949-A-T.
Other names: short protein forms T25S.
Identifiers: ClinVar variation 3228201 (VCV003228201.1), dbSNP rs2515450874, ClinGen allele CA408524869.